The following is an entry in ClinVar:

NM_000179.3(MSH6):c.908dup (p.Met303fs)

Gene: MSH6 (mutS homolog 6; plus strand). Cytogenetic location: 2p16.3.
Variant type: Duplication.
Coding change: c.908dup on transcript NM_000179.3 (MANE Select); coding-DNA position 908, one base duplicated (T; older notation c.908dupT).
Protein change: p.Met303fs; shifts the reading frame from methionine 303.
Molecular consequence: frameshift variant. On other transcripts: initiator codon variant (2).
Genome position (GRCh38, 1-based): chr2:47,798,891, T duplicated. VCF-style (leftmost placement, unchanged base first): chr2-47798890-A-AT. GRCh37 (hg19) VCF-style: chr2-48026029-A-AT.
Other names: c.518dup, p.Met173fs (NM_001281492.2); c.2dup, p.Met1fs (NM_001281493.2, NM_001281494.2); c.908dupT (NM_000179.2); short protein forms M173fs, M303fs, M1fs.
Identifiers: ClinVar variation 371820 (VCV000371820.21), dbSNP rs1057517551, ClinGen allele CA16042059.

ClinVar aggregate classification (germline): Pathogenic. Review status: criteria provided, multiple submitters, no conflicts (2 of 4 stars). 6 submissions from 6 submitters: Pathogenic (5). 1 of the submissions does not count toward it. Last evaluated 2025-07-29.

Conditions:
Hereditary nonpolyposis colorectal neoplasms. Identifiers: MedGen C0009405, MeSH D003123.
Hereditary cancer-predisposing syndrome. Also called: Tumor predisposition; Hereditary neoplastic syndrome; Neoplastic Syndromes, Hereditary; Hereditary Cancer Syndrome. Identifiers: Orphanet 140162, MedGen C0027672, MeSH D009386, MONDO:0015356.
Lynch syndrome 5 (LYNCH5). Also called: Colorectal cancer, hereditary nonpolyposis, type 5; Hereditary non-polyposis colorectal cancer, type 5. Identifiers: Orphanet 144, MedGen C1833477, MONDO:0013710, OMIM 614350. Disease mechanism: loss of function.

Submissions (6):

Ambry Genetics
Classification: Pathogenic for Hereditary cancer-predisposing syndrome. Last evaluated: 2025-07-29. Review status: criteria provided, single submitter. Criteria: Ambry Variant Classification Scheme 2023. Collection method: clinical testing. Allele origin: germline.
Comment: The c.908dupT pathogenic mutation, located in coding exon 4 of the MSH6 gene, results from a duplication of T at nucleotide position 908, causing a translational frameshift with a predicted alternate stop codon (p.M303Ifs*9). This variant is considered to be rare based on population cohorts in the Genome Aggregation Database (gnomAD). This alteration is expected to result in loss of function by premature protein truncation or nonsense-mediated mRNA decay. As such, this alteration is interpreted as a disease-causing mutation.

Labcorp Genetics (formerly Invitae), Labcorp
Classification: Pathogenic for Hereditary nonpolyposis colorectal neoplasms. Last evaluated: 2024-11-19. Review status: criteria provided, single submitter. Criteria: Invitae Variant Classification Sherloc (09022015). Collection method: clinical testing. Allele origin: germline.
Comment: This sequence change creates a premature translational stop signal (p.Met303Ilefs*9) in the MSH6 gene. It is expected to result in an absent or disrupted protein product. Loss-of-function variants in MSH6 are known to be pathogenic (PMID: 18269114, 24362816). This variant is not present in population databases (gnomAD no frequency). This variant has not been reported in the literature in individuals affected with MSH6-related conditions. ClinVar contains an entry for this variant (Variation ID: 371820). For these reasons, this variant has been classified as Pathogenic.

GeneDx
Classification: Pathogenic. Last evaluated: 2023-06-01. Review status: criteria provided, single submitter. Criteria: GeneDx Variant Classification Process June 2021. Collection method: clinical testing. Allele origin: germline. Affected: yes.
Comment: Frameshift variant predicted to result in protein truncation or nonsense mediated decay in a gene for which loss-of-function is a known mechanism of disease; Not observed at significant frequency in large population cohorts (gnomAD); Truncating variants in this gene are considered pathogenic by a well-established clinical consortium and/or database; Has not been previously published as pathogenic or benign to our knowledge; This variant is associated with the following publications: (PMID: 30787465, 18269114, 24362816)

Myriad Genetics, Inc.
Classification: Pathogenic for Lynch syndrome 5. Last evaluated: 2023-03-27. Review status: criteria provided, single submitter. Criteria: Myriad Autosomal Dominant, Autosomal Recessive and X-Linked Classification Criteria (2023). Collection method: clinical testing. Allele origin: unknown.
Comment: This variant is considered pathogenic. This variant creates a frameshift predicted to result in premature protein truncation.

Quest Diagnostics Nichols Institute San Juan Capistrano
Classification: Pathogenic. Last evaluated: 2019-03-11. Review status: criteria provided, single submitter. Criteria: Quest Diagnostics criteria. Collection method: clinical testing. Allele origin: germline.
Comment: The variant results in a shift of the reading frame, and is therefore predicted to result in the loss of a functional protein. Found in at least one symptomatic patient, and not found in general population data.

Counsyl
Classification: Likely pathogenic for Lynch syndrome 5. Last evaluated: 2016-02-02. Review status: no assertion criteria provided. Collection method: clinical testing. Allele origin: unknown. Not counted in ClinVar's aggregate classification.

Literature cited by the submitters: PubMed 18269114 (cited by Labcorp Genetics (formerly Invitae), Labcorp); PubMed 24362816 (cited by Labcorp Genetics (formerly Invitae), Labcorp).